The following is an entry in ClinVar:

NM_001009999.3(KDM1A):c.785A>C (p.Tyr262Ser)

Gene: KDM1A (lysine demethylase 1A; plus strand). Cytogenetic location: 1p36.12.
Variant type: single nucleotide variant.
Coding change: c.785A>C on transcript NM_001009999.3 (MANE Select); coding-DNA position 785, A replaced by C.
Protein change: p.Tyr262Ser; replaces tyrosine 262 with serine.
Molecular consequence: missense variant.
Genome position (GRCh38, 1-based): chr1:23,053,834, A>C. VCF-style: chr1-23053834-A-C. GRCh37 (hg19) VCF-style: chr1-23380327-A-C.
Other names: c.725A>C, p.Tyr242Ser (NM_001363654.2, NM_001410763.1, NM_015013.4); c.785A>C, p.Tyr262Ser (NM_001410762.1); short protein forms Y262S, Y242S.
Identifiers: ClinVar variation 5023068 (VCV005023068.1).

ClinVar aggregate classification (germline): Uncertain significance (1 of 4 stars; one submission).

Conditions:
Inborn genetic diseases. Identifiers: MedGen C0950123, MeSH D030342.

Submission:

Ambry Genetics
Classification: Uncertain significance for Inborn genetic diseases. Last evaluated: 2026-07-13. Review status: criteria provided, single submitter. Criteria: Ambry Variant Classification Scheme 2023. Collection method: clinical testing. Allele origin: germline.
Comment: The p.Y262S variant (also known as c.785A>C), located in coding exon 5 of the KDM1A gene, results from an A to C substitution at nucleotide position 785. The tyrosine at codon 262 is replaced by serine, an amino acid with dissimilar properties. This amino acid position is conserved. In addition, the in silico prediction for this alteration is inconclusive. Based on the available evidence, the clinical significance of this variant remains unclear.